The following is an entry in ClinVar:

NM_000169.3(GLA):c.1195_1196del (p.Trp399fs)

Genes: GLA (galactosidase alpha; minus strand), RPL36A-HNRNPH2 (RPL36A-HNRNPH2 readthrough; plus strand). Cytogenetic location: Xq22.1.
Variant type: Deletion.
Coding change: c.1195_1196del on transcript NM_000169.3 (MANE Select); coding-DNA positions 1195 to 1196, 2 bases deleted (TG; older notation c.1195_1196delTG).
Protein change: p.Trp399fs; shifts the reading frame from tryptophan 399.
Molecular consequence: frameshift variant. On other transcripts: non-coding transcript variant (3), intron variant (2).
Genome position (GRCh38, 1-based): chrX:101,397,903-101,397,904, CA deleted on the plus strand (TG on the coding strand, the reverse complement: GLA is on the minus strand). VCF-style (leftmost placement, unchanged base first): chrX-101397902-CCA-C. GRCh37 (hg19) VCF-style: chrX-100652890-CCA-C.
Other names: c.1318_1319del, p.Trp440fs (NM_001406747.1); c.300+2446_300+2447del (NM_001199973.2); c.177+6081_177+6082del (NM_001199974.2); short protein forms W399fs, W440fs.
Identifiers: ClinVar variation 4974845 (VCV004974845.1), dbSNP rs869312238.

ClinVar aggregate classification (germline): Pathogenic (1 of 4 stars; one submission).

Conditions:
Fabry disease. Also called: Fabry's disease; ALPHA-GALACTOSIDASE A DEFICIENCY; ANDERSON-FABRY DISEASE; CERAMIDE TRIHEXOSIDASE DEFICIENCY; GLA DEFICIENCY; HEREDITARY DYSTOPIC LIPIDOSIS. Identifiers: Orphanet 324, MedGen C0002986, MONDO:0010526, OMIM 301500, HP:0001071. Disease mechanism: Fabry disease is due to inactivating mutations in the X-linked GLA gene resulting in deficiency of the enzyme Alpha Galactosidase-A., loss of function.

Submission:

Genomenon, Inc
Classification: Pathogenic for Fabry disease. Last evaluated: 2026-09-08. Review status: criteria provided, single submitter. Criteria: Genomenon Sequence Variant Interpretation Standards - Updated. Collection method: curation. Allele origin: germline. Affected: yes.
Comment: GLA p.Trp399AspfsTer34 (c.1195_1196del) is a frameshift variant that is predicted to introduce a premature termination codon and result in a truncated or absent protein product. This variant has been observed in at least one proband with clinical features consistent with Fabry disease (PMID:27356758). It is absent or not present at a significant frequency in gnomAD. In conclusion, we classify GLA p.Trp399AspfsTer34 (c.1195_1196del) as a pathogenic variant.

Literature cited by the submitters: PubMed 27356758.